The following is an entry in ClinVar:

NM_001009944.3(PKD1):c.7552C>T (p.Arg2518Cys)

Gene: PKD1 (polycystin 1, transient receptor potential channel interacting; minus strand). Cytogenetic location: 16p13.3.
Variant type: single nucleotide variant.
Coding change: c.7552C>T on transcript NM_001009944.3 (MANE Select); coding-DNA position 7552, C replaced by T.
Protein change: p.Arg2518Cys; replaces arginine 2518 with cysteine.
Molecular consequence: missense variant.
Genome position (GRCh38, 1-based): chr16:2,106,242, G>A on the plus strand (C>T on the coding strand, the complement: PKD1 is on the minus strand). VCF-style: chr16-2106242-G-A. GRCh37 (hg19) VCF-style: chr16-2156243-G-A.
Other names: c.7552C>T, p.Arg2518Cys (NM_000296.4); short protein forms R2518C.
Identifiers: ClinVar variation 4991709 (VCV004991709.1).
Genomic context (GRCh38, chr16:2,106,242, plus strand): 5'-CGGCTCCGTAGCTGGAGAGGCTGCCCTTGTAGACACAGAACTCCTCGCAGTGGCCCTGGC[G>A]ACAGCGCCGCAGCAGCAGGGCGTACACCAGCGGGGCGCCAGCATCCTCCGCGTCATGCCA-3'
Protein context (NP_001009944.3, residues 2508-2528): LVYALLLRRC[Arg2518Cys]QGHCEEFCVY

ClinVar aggregate classification (germline): Likely benign (1 of 4 stars; one submission).

Conditions:
PKD1-related disorder. Also called: PKD1-related condition.

gnomAD v4.1: 139 of 1,610,112 alleles (0.0086%); highest among the groups gnomAD compares: South Asian, 0.011%; no homozygotes.

Submission:

PreventionGenetics, part of Exact Sciences
Classification: Likely benign for PKD1-related condition. Last evaluated: 2025-05-14. Review status: criteria provided, single submitter. Criteria: ACMG Guidelines, 2015. Collection method: clinical testing. Allele origin: germline.
Comment: This variant is classified as likely benign based on ACMG/AMP sequence variant interpretation guidelines (Richards et al. 2015 PMID: 25741868, with internal and published modifications).